The following is an entry in ClinVar:

NM_002055.5(GFAP):c.86G>A (p.Arg29His)

Gene: GFAP (glial fibrillary acidic protein; minus strand). Cytogenetic location: 17q21.31.
Variant type: single nucleotide variant.
Coding change: c.86G>A on transcript NM_002055.5 (MANE Select); coding-DNA position 86, G replaced by A.
Protein change: p.Arg29His; replaces arginine 29 with histidine.
Molecular consequence: missense variant.
Genome position (GRCh38, 1-based): chr17:44,915,401, C>T on the plus strand (G>A on the coding strand, the complement: GFAP is on the minus strand). VCF-style: chr17-44915401-C-T. GRCh37 (hg19) VCF-style: chr17-42992769-C-T.
Other names: c.86G>A, p.Arg29His (NM_001131019.3, NM_001242376.3, NM_001363846.2); c.86G>A (NM_002055.4); short protein forms R29H.
Identifiers: ClinVar variation 1513932 (VCV001513932.11), dbSNP rs201998644, ClinGen allele CA8609111.

ClinVar aggregate classification (germline): Conflicting classifications of pathogenicity. Review status: criteria provided, conflicting classifications (1 of 4 stars). 4 submissions from 4 submitters: Uncertain significance (3); Likely benign (1). Last evaluated 2026-01-22.

Conditions:
Inborn genetic diseases. Identifiers: MedGen C0950123, MeSH D030342.

Allele frequency attached by ClinVar (database versions not stated): gnomAD exomes 0.00003 and 0.00005; TOPMed 0.00004; gnomAD 0.00005; ESP Exome Variant Server 0.00008; ExAC 0.00010.

Submissions (4):

Labcorp Genetics (formerly Invitae), Labcorp
Classification: Uncertain significance. Last evaluated: 2026-01-22. Review status: criteria provided, single submitter. Criteria: Invitae Variant Classification Sherloc (09022015). Collection method: clinical testing. Allele origin: germline.
Comment: This sequence change replaces arginine, which is basic and polar, with histidine, which is basic and polar, at codon 29 of the GFAP protein (p.Arg29His). This variant is present in population databases (rs201998644, gnomAD 0.01%). This variant has not been reported in the literature in individuals affected with GFAP-related conditions. ClinVar contains an entry for this variant (Variation ID: 1513932). Invitae Evidence Modeling of protein sequence and biophysical properties (such as structural, functional, and spatial information, amino acid conservation, physicochemical variation, residue mobility, and thermodynamic stability) indicates that this missense variant is not expected to disrupt GFAP protein function with a negative predictive value of 95%. In summary, the available evidence is currently insufficient to determine the role of this variant in disease. Therefore, it has been classified as a Variant of Uncertain Significance.

Women's Health and Genetics/Laboratory Corporation of America, LabCorp
Classification: Uncertain significance. Last evaluated: 2026-01-20. Review status: criteria provided, single submitter. Criteria: LabCorp Variant Classification Summary - May 2015. Collection method: clinical testing. Allele origin: germline.
Comment: Variant summary: GFAP c.86G>A (p.Arg29His) results in a non-conservative amino acid change in the encoded protein sequence. Algorithms developed to predict the effect of missense changes on protein structure and function are either unavailable or do not agree on the potential impact of this missense change. The variant allele was found at a frequency of 4.6e-05 in 238766 control chromosomes (gnomAD). The occurrence in several carriers suggests that this variant is likely not associated with a high penetrance, severe, early onset disease phenotype in heterozygous state. To our knowledge, no occurrence of c.86G>A in individuals affected with GFAP-related conditions and no experimental evidence demonstrating its impact on protein function have been reported. ClinVar contains an entry for this variant (Variation ID: 1513932). Based on the evidence outlined above, the variant was classified as VUS-possibly benign.

Ambry Genetics
Classification: Likely benign for Inborn genetic diseases. Last evaluated: 2023-12-28. Review status: criteria provided, single submitter. Criteria: Ambry Variant Classification Scheme 2023. Collection method: clinical testing. Allele origin: germline.

Athena Diagnostics
Classification: Uncertain significance. Last evaluated: 2023-08-17. Review status: criteria provided, single submitter. Criteria: Athena Diagnostics Criteria. Collection method: clinical testing. Allele origin: unknown.
Comment: Available data are insufficient to determine the clinical significance of the variant at this time. The frequency of this variant in the general population is higher than would generally be expected for pathogenic variants in this gene. Computational tools predict that this variant is not damaging.